The following is an entry in ClinVar:

ClinVar aggregate classification (germline): Uncertain significance (1 of 4 stars; one submission).

Conditions:
Alpha-methylacyl-CoA racemase deficiency (AMACRD). Also called: AMACR deficiency. Identifiers: Orphanet 79095, MedGen C3280428, MONDO:0013681, OMIM 614307. Disease mechanism: loss of function.

Allele frequency attached by ClinVar (database versions not stated): gnomAD exomes below 0.00001 and 0.00002; ExAC 0.00001.
gnomAD v4.1: 7 of 1,614,222 alleles (0.00043%); highest among the groups gnomAD compares: South Asian, 0.0011%; no homozygotes.

Submission:

Labcorp Genetics (formerly Invitae), Labcorp
Classification: Uncertain significance for Alpha-methylacyl-CoA racemase deficiency. Last evaluated: 2021-10-27. Review status: criteria provided, single submitter. Criteria: Invitae Variant Classification Sherloc (09022015). Collection method: clinical testing. Allele origin: germline.
Comment: This sequence change replaces threonine, a(n) neutral and polar amino acid, with alanine, a(n) neutral and non-polar amino acid, at codon 290 of the AMACR protein (p.Thr290Ala). This variant is present in population databases (rs759217337, gnomAD 0.007%). This variant has not been reported in the literature in individuals affected with AMACR-related conditions. Algorithms developed to predict the effect of missense changes on protein structure and function (SIFT, PolyPhen-2, Align-GVGD) all suggest that this variant is likely to be tolerated. In summary, the available evidence is currently insufficient to determine the role of this variant in disease. Therefore, it has been classified as a Variant of Uncertain Significance.

NM_014324.6(AMACR):c.868A>G (p.Thr290Ala)

Genes: C1QTNF3-AMACR (C1QTNF3-AMACR readthrough (NMD candidate); minus strand), AMACR (alpha-methylacyl-CoA racemase; minus strand). Cytogenetic location: 5p13.2.
Variant type: single nucleotide variant.
Coding change: c.868A>G on transcript NM_014324.6 (MANE Select); coding-DNA position 868, A replaced by G.
Protein change: p.Thr290Ala; replaces threonine 290 with alanine.
Molecular consequence: missense variant. On other transcripts: non-coding transcript variant (1), 3 prime UTR variant (1).
Genome position (GRCh38, 1-based): chr5:33,989,374, T>C on the plus strand (A>G on the coding strand, the complement: AMACR is on the minus strand). VCF-style: chr5-33989374-T-C. GRCh37 (hg19) VCF-style: chr5-33989479-T-C.
Other names: c.868A>G, p.Thr290Ala (NM_001167595.2); c.*110A>G (NM_203382.3); short protein forms T290A.
Identifiers: ClinVar variation 1393593 (VCV001393593.3), dbSNP rs759217337, ClinGen allele CA3226004.
Genomic context (GRCh38, chr5:33,989,374, plus strand): 5'-TGTTGTGATCATGATGAACAACCTCCTCAAAAGTCAGAACCGGAGTCACACAGGCATCTG[T>C]GCCGTCAAAGATTTGACACCACTCTGCCTTCGTCTTCTCTGCAAATACATCTGCAAACTT-3'
Protein context (NP_055139.4, residues 280-300): KAEWCQIFDG[Thr290Ala]DACVTPVLTF